The following is an entry in ClinVar:

ClinVar aggregate classification (germline): Uncertain significance (1 of 4 stars; one submission).

Allele frequency attached by ClinVar (database versions not stated): gnomAD exomes below 0.00001.
gnomAD v4.1: 1 of 1,614,062 alleles (0.000062%); highest among the groups gnomAD compares: Non-Finnish European, 0.000085%; no homozygotes.

Submission:

Women's Health and Genetics/Laboratory Corporation of America, LabCorp
Classification: Uncertain significance. Last evaluated: 2023-12-14. Review status: criteria provided, single submitter. Criteria: LabCorp Variant Classification Summary - May 2015. Collection method: clinical testing. Allele origin: germline.
Comment: Variant summary: VWF c.652C>A (p.Gln218Lys) results in a conservative amino acid change located in the VWF/SSPO/Zonadhesin-like, cysteine-rich domain (IPR014853) of the encoded protein sequence. Five of five in-silico tools predict a benign effect of the variant on protein function. The variant allele was found at a frequency of 4e-06 in 251480 control chromosomes (gnomAD). The available data on variant occurrences in the general population are insufficient to allow any conclusion about variant significance. To our knowledge, no occurrence of c.652C>A in individuals affected with Von Willebrand Disease and no experimental evidence demonstrating its impact on protein function have been reported. No submitters have cited clinical-significance assessments for this variant to ClinVar after 2014. Based on the evidence outlined above, the variant was classified as uncertain significance.

NM_000552.5(VWF):c.652C>A (p.Gln218Lys)

Gene: VWF (von Willebrand factor; minus strand). Cytogenetic location: 12p13.31.
Variant type: single nucleotide variant.
Coding change: c.652C>A on transcript NM_000552.5 (MANE Select); coding-DNA position 652, C replaced by A.
Protein change: p.Gln218Lys; replaces glutamine 218 with lysine.
Molecular consequence: missense variant.
Genome position (GRCh38, 1-based): chr12:6,095,465, G>T on the plus strand (C>A on the coding strand, the complement: VWF is on the minus strand). VCF-style: chr12-6095465-G-T. GRCh37 (hg19) VCF-style: chr12-6204631-G-T.
Other names: short protein forms Q218K.
Identifiers: ClinVar variation 2691690 (VCV002691690.1), dbSNP rs62643623, ClinGen allele CA383514279.